The following is an entry in ClinVar:

NM_005121.3(MED13):c.2476A>T (p.Ser826Cys)

Gene: MED13 (mediator complex subunit 13; minus strand). Cytogenetic location: 17q23.2.
Variant type: single nucleotide variant.
Coding change: c.2476A>T on transcript NM_005121.3 (MANE Select); coding-DNA position 2476, A replaced by T.
Protein change: p.Ser826Cys; replaces serine 826 with cysteine.
Molecular consequence: missense variant.
Genome position (GRCh38, 1-based): chr17:61,985,000, T>A on the plus strand (A>T on the coding strand, the complement: MED13 is on the minus strand). VCF-style: chr17-61985000-T-A. GRCh37 (hg19) VCF-style: chr17-60062361-T-A.
Other names: short protein forms S826C.
Identifiers: ClinVar variation 5018087 (VCV005018087.1).

ClinVar aggregate classification (germline): Uncertain significance (1 of 4 stars; one submission).

Submission:

GeneDx
Classification: Uncertain significance. Last evaluated: 2026-03-31. Review status: criteria provided, single submitter. Criteria: GeneDx Variant Classification Process June 2021. Collection method: clinical testing. Allele origin: germline.
Comment: Not observed at significant frequency in large population cohorts (gnomAD); In silico analysis suggests that this missense variant does not alter protein structure/function; Has not been previously published as pathogenic or benign to our knowledge